The following is an entry in ClinVar:

NM_001382241.1(TNPO2):c.1303G>C (p.Glu435Gln)

Gene: TNPO2 (transportin 2; minus strand). Cytogenetic location: 19p13.13.
Variant type: single nucleotide variant.
Coding change: c.1303G>C on transcript NM_001382241.1 (MANE Select); coding-DNA position 1303, G replaced by C.
Protein change: p.Glu435Gln; replaces glutamic acid 435 with glutamine.
Molecular consequence: missense variant. On other transcripts: non-coding transcript variant (6).
Genome position (GRCh38, 1-based): chr19:12,706,763, C>G on the plus strand (G>C on the coding strand, the complement: TNPO2 is on the minus strand). VCF-style: chr19-12706763-C-G. GRCh37 (hg19) VCF-style: chr19-12817577-C-G.
Other names: c.1303G>C, p.Glu435Gln (NM_001136195.2, NM_001136196.2, NM_001382236.1 and 7 more transcripts); short protein forms E435Q.
Identifiers: ClinVar variation 3371087 (VCV003371087.1).

ClinVar aggregate classification (germline): Uncertain significance (1 of 4 stars; one submission).

Submission:

GeneDx
Classification: Uncertain significance. Last evaluated: 2024-03-21. Review status: criteria provided, single submitter. Criteria: GeneDx Variant Classification Process June 2021. Collection method: clinical testing. Allele origin: germline. Affected: yes.
Comment: Not observed at significant frequency in large population cohorts (gnomAD); In silico analysis supports that this missense variant does not alter protein structure/function; Has not been previously published as pathogenic or benign to our knowledge